The following is an entry in ClinVar:

NM_006231.4(POLE):c.5307G>A (p.Met1769Ile)

Gene: POLE (DNA polymerase epsilon, catalytic subunit; minus strand). Cytogenetic location: 12q24.33.
Variant type: single nucleotide variant.
Coding change: c.5307G>A on transcript NM_006231.4 (MANE Select); coding-DNA position 5307, G replaced by A.
Protein change: p.Met1769Ile; replaces methionine 1769 with isoleucine.
Molecular consequence: missense variant.
Genome position (GRCh38, 1-based): chr12:132,641,718, C>T on the plus strand (G>A on the coding strand, the complement: POLE is on the minus strand). VCF-style: chr12-132641718-C-T. GRCh37 (hg19) VCF-style: chr12-133218304-C-T.
Other names: short protein forms M1769I.
Identifiers: ClinVar variation 1992725 (VCV001992725.4), dbSNP rs2541880583, ClinGen allele CA387376021.
Genomic context (GRCh38, chr12:132,641,718, plus strand): 5'-AGAGCACAGGGCTGTCTCATCGTAGCTGGCCGGGGCACTGGCAGCCTGACCACCCGTGAT[C>T]ATGTCCTCCAGGGAGGCCTGCTGGATCACGTCGAAGCTGATCCCCATGCTGTCGGCCCCC-3'
Protein context (NP_006222.2, residues 1759-1779): DVIQQASLED[Met1769Ile]ITGGQAASAP

ClinVar aggregate classification (germline): Uncertain significance (1 of 4 stars; one submission).

Submission:

Labcorp Genetics (formerly Invitae), Labcorp
Classification: Uncertain significance. Last evaluated: 2022-05-10. Review status: criteria provided, single submitter. Criteria: Invitae Variant Classification Sherloc (09022015). Collection method: clinical testing. Allele origin: germline.
Comment: In summary, the available evidence is currently insufficient to determine the role of this variant in disease. Therefore, it has been classified as a Variant of Uncertain Significance. Algorithms developed to predict the effect of missense changes on protein structure and function (SIFT, PolyPhen-2, Align-GVGD) all suggest that this variant is likely to be tolerated. This variant has not been reported in the literature in individuals affected with POLE-related conditions. This variant is not present in population databases (gnomAD no frequency). This sequence change replaces methionine, which is neutral and non-polar, with isoleucine, which is neutral and non-polar, at codon 1769 of the POLE protein (p.Met1769Ile).